The following is an entry in ClinVar:

ClinVar aggregate classification (germline): Pathogenic/Likely pathogenic. Review status: criteria provided, multiple submitters, no conflicts (2 of 4 stars). 12 submissions from 12 submitters: Pathogenic (6); Likely pathogenic (2). 4 of the submissions do not count toward it. Last evaluated 2025-11-10.

Conditions:
MTTP-related disorder. Also called: MTTP-related condition.
Abetalipoproteinaemia (ABL). Also called: Abetalipoproteinemia; Abetalipoproteinemia neuropathy; Apolipoprotein B deficiency; Congenital betalipoprotein deficiency syndrome; MTP DEFICIENCY. Identifiers: Orphanet 14, MedGen C0000744, MONDO:0008692, OMIM 200100, HP:0008181.

Allele frequency attached by ClinVar (database versions not stated): ExAC 0.00002; gnomAD exomes 0.00002 and 0.00004; gnomAD 0.00003 and 0.00004; TOPMed 0.00001.
gnomAD v4.1: 66 of 1,613,968 alleles (0.0041%); highest among the groups gnomAD compares: Non-Finnish European, 0.0052%; no homozygotes.

Submissions (12):

Institute of Human Genetics, University of Leipzig Medical Center
Classification: Likely pathogenic for Abetalipoproteinaemia. Last evaluated: 2025-11-10. Review status: criteria provided, single submitter. Criteria: ACMG Guidelines, 2015. Collection method: clinical testing. Allele origin: unknown. Inheritance: Autosomal recessive inheritance. Affected: yes.
Comment: Criteria applied: PM2,PM3,PM5,PS3_SUP,PP3

Labcorp Genetics (formerly Invitae), Labcorp
Classification: Pathogenic. Last evaluated: 2025-11-05. Review status: criteria provided, single submitter. Criteria: Invitae Variant Classification Sherloc (09022015). Collection method: clinical testing. Allele origin: germline.
Comment: This sequence change replaces arginine, which is basic and polar, with histidine, which is basic and polar, at codon 540 of the MTTP protein (p.Arg540His). This variant is present in population databases (rs199422220, gnomAD 0.003%). This missense change has been observed in individual(s) with abetalipoproteinemia (PMID: 8939939, 10679949, 30522860). In at least one individual the data is consistent with being in trans (on the opposite chromosome) from a pathogenic variant. ClinVar contains an entry for this variant (Variation ID: 14238). Invitae Evidence Modeling of protein sequence and biophysical properties (such as structural, functional, and spatial information, amino acid conservation, physicochemical variation, residue mobility, and thermodynamic stability) indicates that this missense variant is expected to disrupt MTTP protein function with a positive predictive value of 80%. Experimental studies have shown that this missense change affects MTTP function (PMID: 8939939, 23475612). This variant disrupts the p.Arg540 amino acid residue in MTTP. Other variant(s) that disrupt this residue have been determined to be pathogenic (PMID: 25108285, 27578136). This suggests that this residue is clinically significant, and that variants that disrupt this residue are likely to be disease-causing. For these reasons, this variant has been classified as Pathogenic.

CeGaT Center for Human Genetics Tuebingen
Classification: Pathogenic. Last evaluated: 2025-11-01. Review status: criteria provided, single submitter. Criteria: CeGaT Center For Human Genetics Tuebingen Variant Classification Criteria Version 2. Collection method: clinical testing. Allele origin: germline. Affected: yes. Observed: 1 variant allele.
Comment: MTTP: PM3:Strong, PM2, PM5, PM1:Supporting, PS3:Supporting

Natera, Inc.
Classification: Likely pathogenic for Abetalipoproteinemia. Last evaluated: 2025-07-21. Review status: criteria provided, single submitter. Criteria: Natera Variant Classification Schema (03/2026). Collection method: clinical testing. Allele origin: germline.
Comment: The c.1619G>A variant in MTTP is a missense variant predicted to cause substitution of arginine to histidine at amino acid 540. This variant is rare in the general population with a frequency below the threshold expected for the associated phenotype(s). This variant has been observed in one or more individuals affected with the associated recessive disease, as either homozygous or compound heterozygous with a second variant (PMID: 10679949, 30522860). Functional studies show that this variant may disrupt protein function (PMID: 8939939, 23475612). A different variant at the same position has been determined to be Pathogenic or Likely Pathogenic. Computational prediction algorithms indicate this variant is likely to affect gene or protein function. Given the available evidence, this variant is classified as Likely Pathogenic.

Mayo Clinic Laboratories, Mayo Clinic
Classification: Pathogenic. Last evaluated: 2025-03-18. Review status: criteria provided, single submitter. Criteria: ACMG Guidelines, 2015. Collection method: clinical testing. Allele origin: germline. Observed: 1 variant allele.
Comment: PP3_moderate, PP4, PM2_supporting, PM3_strong, PS3

Blueprint Genetics
Classification: Pathogenic for MTTP-related disorders. Last evaluated: 2024-09-11. Review status: criteria provided, single submitter. Criteria: ACMG Guidelines, 2015. Collection method: clinical testing. Allele origin: germline. Affected: yes. Observed: 5 variant alleles.

Fulgent Genetics
Classification: Pathogenic for Abetalipoproteinaemia. Last evaluated: 2024-02-18. Review status: criteria provided, single submitter. Criteria: ACMG Guidelines, 2015. Collection method: clinical testing. Allele origin: germline.

Women's Health and Genetics/Laboratory Corporation of America, LabCorp
Classification: Pathogenic for Abetalipoproteinaemia. Last evaluated: 2022-11-16. Review status: criteria provided, single submitter. Criteria: LabCorp Variant Classification Summary - May 2015. Collection method: clinical testing. Allele origin: germline.
Comment: Variant summary: MTTP c.1619G>A (p.Arg540His) results in a non-conservative amino acid change located in the Vitellogenin, N-terminal (IPR039988) of the encoded protein sequence, specifically within the alpha-helical region (Khatun_2013). Another missense variant affecting the same amino acid has been classified as likely pathogenic by our laboratory (c.1618C>T, p.Arg540Cys), providing moderate evidence of pathogenicity. Five of five in-silico tools predict a damaging effect of the variant on protein function. The variant allele was found at a frequency of 1.6e-05 in 251154 control chromosomes. c.1619G>A has been reported in the literature in individuals affected with Abetalipoproteinaemia (Rehberg_1996, Wang_2000, Di Filippo_2019), with evidence of co-segregation in two families. Some individuals are reported as compound heterozygous, carrying other variants in trans likely to be pathogenic. These data indicate that the variant is likely to be associated with disease. At least two publications reports experimental evidence evaluating an impact on protein function, showing R540H loses phospholipid and triglyceride transfer activities and the ability to support apoB secretion (Rehberg_1996, Khatun_2013). Two clinical diagnostic laboratories have submitted clinical-significance assessments for this variant to ClinVar after 2014 without evidence for independent evaluation, both classifying the variant as pathogenic. Based on the evidence outlined above, the variant was classified as pathogenic.

OMIM
Classification: Pathogenic for ABETALIPOPROTEINEMIA. Last evaluated: 1996-11-22. Review status: no assertion criteria provided. Collection method: literature only. Allele origin: germline. Not counted in ClinVar's aggregate classification.

Clinical Genetics, Academic Medical Center
Classification: Likely pathogenic. Review status: no assertion criteria provided. Collection method: clinical testing. Allele origin: germline. Affected: yes. Study: VKGL Data-share Consensus. Not counted in ClinVar's aggregate classification.

GeneReviews
No classification provided. Condition: Abetalipoproteinaemia. Review status: no classification provided. Collection method: literature only. Allele origin: germline. Not counted in ClinVar's aggregate classification.

Joint Genome Diagnostic Labs from Nijmegen and Maastricht, Radboudumc and MUMC+
Classification: Pathogenic. Review status: no assertion criteria provided. Collection method: clinical testing. Allele origin: germline. Affected: yes. Study: VKGL Data-share Consensus. Not counted in ClinVar's aggregate classification.

Literature cited by the submitters: PubMed 8939939 (cited by 6 submitters); PubMed 10679949 (cited by 4 submitters); PubMed 30522860 (cited by 4 submitters); PubMed 23475612 (cited by 5 submitters); PubMed 25108285 (cited by Labcorp Genetics (formerly Invitae), Labcorp); PubMed 27578136 (cited by Labcorp Genetics (formerly Invitae), Labcorp); PubMed 1439810 (cited by OMIM); NCBI Bookshelf NBK00000 (cited by GeneReviews).

NM_001386140.1(MTTP):c.1619G>A (p.Arg540His)

Gene: MTTP (microsomal triglyceride transfer protein; plus strand). Cytogenetic location: 4q23.
Variant type: single nucleotide variant.
Coding change: c.1619G>A on transcript NM_001386140.1 (MANE Select); coding-DNA position 1619, G replaced by A.
Protein change: p.Arg540His; replaces arginine 540 with histidine.
Molecular consequence: missense variant.
Genome position (GRCh38, 1-based): chr4:99,608,827, G>A. VCF-style: chr4-99608827-G-A. GRCh37 (hg19) VCF-style: chr4-100529984-G-A.
Other names: c.1619G>A, p.Arg540His (NM_000253.4); c.1370G>A, p.Arg457His (NM_001300785.2); short protein forms R540H, R457H.
Identifiers: ClinVar variation 14238 (VCV000014238.29), dbSNP rs199422220, ClinGen allele CA123820.